The following is an entry in ClinVar:

ClinVar aggregate classification (germline): Uncertain significance. Review status: criteria provided, multiple submitters, no conflicts (2 of 4 stars). 3 submissions from 3 submitters: Uncertain significance (3). Last evaluated 2024-03-06.

Conditions:
Neurofibromatosis, type 2 (SWNV). Also called: BILATERAL ACOUSTIC NEUROFIBROMATOSIS; NF2-Related Schwannomatosis; SCHWANNOMATOSIS, VESTIBULAR. Identifiers: Orphanet 637, MedGen C0027832, MONDO:0007039, OMIM 101000. Disease mechanism: loss of function.
Hereditary cancer-predisposing syndrome. Also called: Neoplastic Syndromes, Hereditary; Hereditary Cancer Syndrome; Tumor predisposition; Hereditary neoplastic syndrome. Identifiers: Orphanet 140162, MedGen C0027672, MeSH D009386, MONDO:0015356.

Submissions (3):

Labcorp Genetics (formerly Invitae), Labcorp
Classification: Uncertain significance for Neurofibromatosis, type 2. Last evaluated: 2024-03-06. Review status: criteria provided, single submitter. Criteria: Invitae Variant Classification Sherloc (09022015). Collection method: clinical testing. Allele origin: germline.
Comment: This sequence change replaces leucine, which is neutral and non-polar, with phenylalanine, which is neutral and non-polar, at codon 595 of the NF2 protein (p.Leu595Phe). This variant is not present in population databases (gnomAD no frequency). This variant has not been reported in the literature in individuals affected with NF2-related conditions. ClinVar contains an entry for this variant (Variation ID: 642286). An algorithm developed to predict the effect of missense changes on protein structure and function (PolyPhen-2) suggests that this variant is likely to be disruptive. In summary, the available evidence is currently insufficient to determine the role of this variant in disease. Therefore, it has been classified as a Variant of Uncertain Significance.

Genome-Nilou Lab
Classification: Uncertain significance for Neurofibromatosis, type 2. Last evaluated: 2021-11-07. Review status: criteria provided, single submitter. Criteria: ACMG Guidelines, 2015. Collection method: clinical testing. Allele origin: germline. Affected: no.

Ambry Genetics
Classification: Uncertain significance for Hereditary cancer-predisposing syndrome. Last evaluated: 2019-05-31. Review status: criteria provided, single submitter. Criteria: Ambry Variant Classification Scheme 2023. Collection method: clinical testing. Allele origin: germline.
Comment: The p.L595F variant (also known as c.1783C>T), located in coding exon 16 of the NF2 gene, results from a C to T substitution at nucleotide position 1783. The leucine at codon 595 is replaced by phenylalanine, an amino acid with highly similar properties. This amino acid position is highly conserved in available vertebrate species. In addition, the in silico prediction for this alteration is inconclusive. Since supporting evidence is limited at this time, the clinical significance of this alteration remains unclear.

NM_000268.4(NF2):c.1783C>T (p.Leu595Phe)

Gene: NF2 (NF2, moesin-ezrin-radixin like (MERLIN) tumor suppressor; plus strand). Cytogenetic location: 22q12.2.
Variant type: single nucleotide variant.
Coding change: c.1783C>T on transcript NM_000268.4 (MANE Select); coding-DNA position 1783, C replaced by T.
Protein change: p.Leu595Phe; replaces leucine 595 with phenylalanine.
Molecular consequence: missense variant. On other transcripts: 3 prime UTR variant (5), non-coding transcript variant (1).
Genome position (GRCh38, 1-based): chr22:29,694,797, C>T. VCF-style: chr22-29694797-C-T. GRCh37 (hg19) VCF-style: chr22-30090786-C-T.
Other names: c.*55C>T (NM_016418.5, NM_181828.3, NM_181829.3 and 1 more transcripts); c.*70C>T (NM_181832.3); c.493C>T, p.Leu165Phe (NM_181833.3); short protein forms L165F, L595F.
Identifiers: ClinVar variation 642286 (VCV000642286.14), dbSNP rs1601689027, ClinGen allele CA411152378.
Genomic context (GRCh38, chr22:29,694,797, plus strand): 5'-TCTGCTTTCTTACAGCTCACCTTGCAGAGCGCCAAGTCCCGAGTGGCCTTCTTTGAAGAG[C>T]TCTAGCAGGTGACCCAGCCACCCCAGGACCTGCCACTTCTCCTGCTACCGGGACCGCGGG-3'
Protein context (NP_000259.1, residues 585-595): AKSRVAFFEE[Leu595Phe]